The following is an entry in ClinVar:

ClinVar aggregate classification (germline): Conflicting classifications of pathogenicity. Review status: criteria provided, conflicting classifications (1 of 4 stars). 2 submissions from 2 submitters: Uncertain significance (1); Likely benign (1). Last evaluated 2026-05-07.

Conditions:
Hereditary cancer-predisposing syndrome. Also called: Neoplastic Syndromes, Hereditary; Tumor predisposition; Hereditary Cancer Syndrome; Hereditary neoplastic syndrome. Identifiers: Orphanet 140162, MedGen C0027672, MeSH D009386, MONDO:0015356.

Submissions (2):

Ambry Genetics
Classification: Likely benign for Hereditary cancer-predisposing syndrome. Last evaluated: 2026-05-07. Review status: criteria provided, single submitter. Criteria: Ambry Variant Classification Scheme 2023. Collection method: clinical testing. Allele origin: germline.

Color Diagnostics, LLC DBA Color Health
Classification: Uncertain significance for Hereditary cancer-predisposing syndrome. Last evaluated: 2023-09-05. Review status: criteria provided, single submitter. Criteria: ACMG Guidelines, 2015. Collection method: clinical testing. Allele origin: germline.
Comment: This missense variant replaces threonine with serine at codon 200 in the RAD51C protein. Computational prediction suggests that this variant may not impact protein structure and function (internally defined REVEL score threshold <= 0.5, PMID: 27666373). To our knowledge, functional studies have not been reported for this variant. This variant has not been reported in individuals affected with RAD51C-related disorders in the literature. This variant has not been identified in the general population by the Genome Aggregation Database (gnomAD). The available evidence is insufficient to determine the role of this variant in disease conclusively. Therefore, this variant is classified as a Variant of Uncertain Significance.

NM_058216.3(RAD51C):c.599C>G (p.Thr200Ser)

Gene: RAD51C (RAD51 paralog C; plus strand). Cytogenetic location: 17q22.
Variant type: single nucleotide variant.
Coding change: c.599C>G on transcript NM_058216.3 (MANE Select); coding-DNA position 599, C replaced by G.
Protein change: p.Thr200Ser; replaces threonine 200 with serine.
Molecular consequence: missense variant. On other transcripts: non-coding transcript variant (1).
Genome position (GRCh38, 1-based): chr17:58,703,223, C>G. VCF-style: chr17-58703223-C-G. GRCh37 (hg19) VCF-style: chr17-56780584-C-G.
Other names: short protein forms T200S.
Identifiers: ClinVar variation 3894383 (VCV003894383.2).
Genomic context (GRCh38, chr17:58,703,223, plus strand): 5'-GTAAAACTAATTAAGAGTGTTTTGTTGTTTCAGAACACCGAAAAGCTTTGGAGGATTTCA[C>G]TCTTGATAATATTCTTTCTCATATTTATTATTTTCGCTGTCGTGACTACACAGAGTTACT-3'
Protein context (NP_478123.1, residues 190-210): EEHRKALEDF[Thr200Ser]LDNILSHIYY